The following is an entry in ClinVar:

ClinVar aggregate classification (germline): Uncertain significance. Review status: criteria provided, single submitter (1 of 4 stars). 2 submissions from 2 submitters: Uncertain significance (1). 1 of the submissions does not count toward it. Last evaluated 2024-10-16.

Conditions:
Hypogonadotropic hypogonadism 15 with anosmia. Identifiers: MedGen CN257939.

Allele frequency attached by ClinVar (database versions not stated): gnomAD exomes 0.00005; TOPMed 0.00006; gnomAD 0.00004 and 0.00005; ExAC 0.00009.
gnomAD v4.1: 75 of 1,612,904 alleles (0.0046%); highest among the groups gnomAD compares: South Asian, 0.029%; no homozygotes.

Submissions (2):

Labcorp Genetics (formerly Invitae), Labcorp
Classification: Uncertain significance. Last evaluated: 2024-10-16. Review status: criteria provided, single submitter. Criteria: Invitae Variant Classification Sherloc (09022015). Collection method: clinical testing. Allele origin: germline.
Comment: This sequence change replaces arginine, which is basic and polar, with tryptophan, which is neutral and slightly polar, at codon 306 of the HS6ST1 protein (p.Arg306Trp). This variant is present in population databases (rs780352591, gnomAD 0.04%). This variant has not been reported in the literature in individuals affected with HS6ST1-related conditions. ClinVar contains an entry for this variant (Variation ID: 39690). Invitae Evidence Modeling of protein sequence and biophysical properties (such as structural, functional, and spatial information, amino acid conservation, physicochemical variation, residue mobility, and thermodynamic stability) indicates that this missense variant is not expected to disrupt HS6ST1 protein function with a negative predictive value of 80%. Experimental studies are conflicting or provide insufficient evidence to determine the effect of this variant on HS6ST1 function (PMID: 21700882). In summary, the available evidence is currently insufficient to determine the role of this variant in disease. Therefore, it has been classified as a Variant of Uncertain Significance.

OMIM
Classification: risk factor for HYPOGONADOTROPIC HYPOGONADISM 15 WITH ANOSMIA, SUSCEPTIBILITY TO. Last evaluated: 2013-05-02. Review status: no assertion criteria provided. Collection method: literature only. Allele origin: germline. Not counted in ClinVar's aggregate classification.

Literature cited by the submitters: PubMed 21700882 (cited by Labcorp Genetics (formerly Invitae), Labcorp and OMIM); PubMed 6881209 (cited by OMIM); PubMed 23643382 (cited by OMIM).

NM_004807.3(HS6ST1):c.916C>T (p.Arg306Trp)

Gene: HS6ST1 (heparan sulfate 6-O-sulfotransferase 1; minus strand). Cytogenetic location: 2q14.3.
Variant type: single nucleotide variant.
Coding change: c.916C>T on transcript NM_004807.3 (MANE Select); coding-DNA position 916, C replaced by T.
Protein change: p.Arg306Trp; replaces arginine 306 with tryptophan.
Molecular consequence: missense variant.
Genome position (GRCh38, 1-based): chr2:128,268,482, G>A on the plus strand (C>T on the coding strand, the complement: HS6ST1 is on the minus strand). VCF-style: chr2-128268482-G-A. GRCh37 (hg19) VCF-style: chr2-129026056-G-A.
Other names: R296W; short protein forms R306W.
Identifiers: ClinVar variation 39690 (VCV000039690.5), dbSNP rs780352591, ClinGen allele CA1867525.
Genomic context (GRCh38, chr2:128,268,482, plus strand): 5'-CGCCCGCCCGCGTGCTATTGTACTGCATGAAGGGCCGGATGAACTTGAGGTTGAACGTCC[G>A]CTCGAACAGGTACTGCGTCTTGCGCTGGAACTCGGTCAGGCCGAAGAAGGCCATGCCCCG-3'
Protein context (NP_004798.3, residues 296-316): FQRKTQYLFE[Arg306Trp]TFNLKFIRPF